The following is an entry in ClinVar:

ClinVar aggregate classification (germline): Uncertain significance (1 of 4 stars; one submission).

Submission:

Mayo Clinic Laboratories, Mayo Clinic
Classification: Uncertain significance. Last evaluated: 2024-07-08. Review status: criteria provided, single submitter. Criteria: ACMG Guidelines, 2015. Collection method: clinical testing. Allele origin: germline. Observed: 1 variant allele.
Comment: BP4, PM2

NM_001061.7(TBXAS1):c.1138G>A (p.Ala380Thr)

Gene: TBXAS1 (thromboxane A synthase 1; plus strand). Cytogenetic location: 7q34.
Variant type: single nucleotide variant.
Coding change: c.1138G>A on transcript NM_001061.7 (MANE Select); coding-DNA position 1138, G replaced by A.
Protein change: p.Ala380Thr; replaces alanine 380 with threonine.
Molecular consequence: missense variant.
Genome position (GRCh38, 1-based): chr7:140,007,094, G>A. VCF-style: chr7-140007094-G-A. GRCh37 (hg19) VCF-style: chr7-139706894-G-A.
Other names: p.Ala380Thr; c.1138G>A, p.Ala380Thr (NM_001130966.5, NM_030984.6); c.1276G>A, p.Ala426Thr (NM_001166253.4); c.937G>A, p.Ala313Thr (NM_001166254.4); c.1081G>A, p.Ala361Thr (NM_001314028.4); c.955G>A, p.Ala319Thr (NM_001366537.3); short protein forms A313T, A319T, A361T, A380T, A381T, A426T, A427T.
Identifiers: ClinVar variation 3379794 (VCV003379794.1).